The following is an entry in ClinVar:

NM_001005373.4(LRSAM1):c.593C>A (p.Ala198Glu)

Gene: LRSAM1 (leucine rich repeat and sterile alpha motif containing 1; plus strand). Cytogenetic location: 9q33.3.
Variant type: single nucleotide variant.
Coding change: c.593C>A on transcript NM_001005373.4 (MANE Select); coding-DNA position 593, C replaced by A.
Protein change: p.Ala198Glu; replaces alanine 198 with glutamic acid.
Molecular consequence: missense variant. On other transcripts: 5 prime UTR variant (1), non-coding transcript variant (2).
Genome position (GRCh38, 1-based): chr9:127,467,804, C>A. VCF-style: chr9-127467804-C-A. GRCh37 (hg19) VCF-style: chr9-130230083-C-A.
Other names: c.593C>A, p.Ala198Glu (NM_001005374.4, NM_001190723.3, NM_001384142.1 and 2 more transcripts); c.-192C>A (NM_001384144.1); short protein forms A198E.
Identifiers: ClinVar variation 451118 (VCV000451118.17), dbSNP rs758867006, ClinGen allele CA5246609.

ClinVar aggregate classification (germline): Uncertain significance. Review status: criteria provided, multiple submitters, no conflicts (2 of 4 stars). 3 submissions from 3 submitters: Uncertain significance (3). Last evaluated 2025-12-31.

Conditions:
Charcot-Marie-Tooth disease axonal type 2P. Also called: CHARCOT-MARIE-TOOTH NEUROPATHY, TYPE 2P; Charcot-Marie-Tooth Neuropathy Type 2G; CHARCOT-MARIE-TOOTH DISEASE, AXONAL, TYPE 2G; CMT 2G. Identifiers: Orphanet 300319, Orphanet 99941, MedGen C3280797, MONDO:0013753, OMIM 614436.

Allele frequency attached by ClinVar (database versions not stated): TOPMed 0.00003.
gnomAD v4.1: 85 of 1,605,516 alleles (0.0053%); highest among the groups gnomAD compares: South Asian, 0.045%; 1 homozygote.

Submissions (3):

Labcorp Genetics (formerly Invitae), Labcorp
Classification: Uncertain significance for Charcot-Marie-Tooth disease axonal type 2P. Last evaluated: 2025-12-31. Review status: criteria provided, single submitter. Criteria: Invitae Variant Classification Sherloc (09022015). Collection method: clinical testing. Allele origin: germline.
Comment: This sequence change replaces alanine, which is neutral and non-polar, with glutamic acid, which is acidic and polar, at codon 198 of the LRSAM1 protein (p.Ala198Glu). This variant is present in population databases (rs758867006, gnomAD 0.05%). This variant has not been reported in the literature in individuals affected with LRSAM1-related conditions. ClinVar contains an entry for this variant (Variation ID: 451118). Invitae Evidence Modeling of protein sequence and biophysical properties (such as structural, functional, and spatial information, amino acid conservation, physicochemical variation, residue mobility, and thermodynamic stability) indicates that this missense variant is not expected to disrupt LRSAM1 protein function with a negative predictive value of 80%. In summary, the available evidence is currently insufficient to determine the role of this variant in disease. Therefore, it has been classified as a Variant of Uncertain Significance.

Illumina Laboratory Services, Illumina
Classification: Uncertain significance for Charcot-Marie-Tooth disease axonal type 2P. Last evaluated: 2018-01-13. Review status: criteria provided, single submitter. Criteria: ICSL Variant Classification Criteria 13 December 2019. Collection method: clinical testing. Allele origin: germline.

GeneDx
Classification: Uncertain significance. Last evaluated: 2017-08-01. Review status: criteria provided, single submitter. Criteria: GeneDx Variant Classification (06012015). Collection method: clinical testing. Allele origin: germline. Affected: yes.
Comment: A variant of uncertain significance has been identified in the LRSAM1 gene. The A198E variant has not been published as a pathogenic variant, nor has it been reported as a benign variant to our knowledge. The A198E variant is observed in 6/11724 (0.05%) alleles from individuals of South Asian background (Lek et al., 2016; 1000 Genomes Consortium et al., 2015; Exome Variant Server). The A198E variant is a non-conservative amino acid substitution, which is likely to impact secondary protein structure as these residues differ in polarity, charge, size and/or other properties. However, this substitution occurs at a position that is not conserved, and in silico analysis predicts this variant likely does not alter the protein structure/function. Therefore, based on the currently available information, it is unclear whether this variant is a pathogenic variant or a rare benign variant.